The following is an entry in ClinVar:

NM_004360.5(CDH1):c.2413G>T (p.Asp805Tyr)

Gene: CDH1 (cadherin 1; plus strand). Cytogenetic location: 16q22.1.
Variant type: single nucleotide variant.
Coding change: c.2413G>T on transcript NM_004360.5 (MANE Select); coding-DNA position 2413, G replaced by T.
Protein change: p.Asp805Tyr; replaces aspartic acid 805 with tyrosine.
Molecular consequence: missense variant.
Genome position (GRCh38, 1-based): chr16:68,829,771, G>T. VCF-style: chr16-68829771-G-T. GRCh37 (hg19) VCF-style: chr16-68863674-G-T.
Other names: c.2230G>T, p.Asp744Tyr (NM_001317184.2); c.865G>T, p.Asp289Tyr (NM_001317185.2); c.448G>T, p.Asp150Tyr (NM_001317186.2); short protein forms D744Y, D150Y, D289Y, D805Y.
Identifiers: ClinVar variation 3572235 (VCV003572235.1).
Genomic context (GRCh38, chr16:68,829,771, plus strand): 5'-AACGACGTTGCACCAACCCTCATGAGTGTCCCCCGGTATCTTCCCCGCCCTGCCAATCCC[G>T]ATGAAATTGGAAATTTTATTGATGAAGTAAGTAATCCACGTGGAAAGCCAAAGCATGGCT-3'
Protein context (NP_004351.1, residues 795-815): PRYLPRPANP[Asp805Tyr]EIGNFIDENL

ClinVar aggregate classification (germline): Uncertain significance (1 of 4 stars; one submission).

Submission:

Quest Diagnostics Nichols Institute San Juan Capistrano
Classification: Uncertain significance. Last evaluated: 2023-10-16. Review status: criteria provided, single submitter. Criteria: Quest Diagnostics criteria. Collection method: clinical testing. Allele origin: unknown.
Comment: The CDH1 c.2413G>T (p.Asp805Tyr) variant has not been reported in individuals with CDH1-related conditions in the published literature. It also has not been reported in large, multi-ethnic general populations (Genome Aggregation Database). Analysis of this variant using bioinformatics tools for the prediction of the effect of amino acid changes on protein structure and function yielded predictions that this variant is damaging. Based on the available information, we are unable to determine the clinical significance of this variant.